The following is an entry in ClinVar:

NM_001127208.3(TET2):c.2479_2495del (p.Ala827fs)

Genes: TET2 (tet methylcytosine dioxygenase 2; plus strand), TET2-AS1 (TET2 antisense RNA 1; minus strand). Cytogenetic location: 4q24.
Variant type: Deletion.
Coding change: c.2479_2495del on transcript NM_001127208.3 (MANE Select); coding-DNA positions 2479 to 2495, 17 bases deleted (GCATGCAAAATACAGGT).
Protein change: p.Ala827fs; shifts the reading frame from alanine 827.
Molecular consequence: frameshift variant.
Genome position (GRCh38, 1-based): chr4:105,236,421-105,236,437, GCATGCAAAATACAGGT deleted; deleting any 17 consecutive bases within chr4:105,236,419-105,236,437 gives the same sequence; the c. name uses the placement nearest the transcript's 3' end. VCF-style (leftmost placement, unchanged base first): chr4-105236418-AGTGCATGCAAAATACAG-A. GRCh37 (hg19) VCF-style: chr4-106157575-AGTGCATGCAAAATACAG-A.
Other names: c.2479_2495del, p.Ala827fs (NM_017628.4); short protein forms A827fs.
Identifiers: ClinVar variation 2862543 (VCV002862543.3), dbSNP rs2476501020, ClinGen allele CA2739270236.

ClinVar aggregate classification (germline): Pathogenic (1 of 4 stars; one submission).

Submission:

Labcorp Genetics (formerly Invitae), Labcorp
Classification: Pathogenic. Last evaluated: 2023-05-07. Review status: criteria provided, single submitter. Criteria: Invitae Variant Classification Sherloc (09022015). Collection method: clinical testing. Allele origin: germline.
Comment: This variant has not been reported in the literature in individuals affected with TET2-related conditions. For these reasons, this variant has been classified as Pathogenic. This variant is not present in population databases (gnomAD no frequency). This sequence change creates a premature translational stop signal (p.Ala827Phefs*13) in the TET2 gene. It is expected to result in an absent or disrupted protein product. Loss-of-function variants in TET2 are known to be pathogenic (PMID: 36066697).

Literature cited by the submitters: PubMed 36066697.